The following is an entry in ClinVar:

ClinVar aggregate classification (germline): Likely pathogenic (1 of 4 stars; one submission).

Conditions:
Dilated cardiomyopathy 1G (CMD1G). Identifiers: Orphanet 154, MedGen C1858763, MONDO:0011400, OMIM 604145.
Autosomal recessive limb-girdle muscular dystrophy type 2J (LGMDR10). Also called: Limb-girdle muscular dystrophy, type 2J; MUSCULAR DYSTROPHY, LIMB-GIRDLE, AUTOSOMAL RECESSIVE 10. Identifiers: Orphanet 140922, MedGen C1837342, MONDO:0012127, OMIM 608807.

Submission:

Labcorp Genetics (formerly Invitae), Labcorp
Classification: Likely pathogenic for Dilated cardiomyopathy 1G; Autosomal recessive limb-girdle muscular dystrophy type 2J. Last evaluated: 2023-06-03. Review status: criteria provided, single submitter. Criteria: Invitae Variant Classification Sherloc (09022015). Collection method: clinical testing. Allele origin: germline.
Comment: In summary, the currently available evidence indicates that the variant is pathogenic, but additional data are needed to prove that conclusively. Therefore, this variant has been classified as Likely Pathogenic. This variant is located in the A band of TTN (PMID: 25589632). Truncating variants in this region are significantly overrepresented in patients affected with dilated cardiomyopathy (PMID: 25589632). Truncating variants in this region have also been reported in individuals affected with autosomal recessive centronuclear myopathy (PMID: 23975875). This variant has not been reported in the literature in individuals affected with TTN-related conditions. This variant is not present in population databases (gnomAD no frequency). This sequence change creates a premature translational stop signal (p.Tyr29272*) in the TTN gene. While this is not anticipated to result in nonsense mediated decay, it is expected to create a truncated TTN protein.

Literature cited by the submitters: PubMed 25589632; PubMed 23975875.

NM_001267550.2(TTN):c.87816T>A (p.Tyr29272Ter)

Genes: TTN-AS1 (TTN antisense RNA 1; plus strand), TTN (titin; minus strand). Cytogenetic location: 2q31.2.
Variant type: single nucleotide variant.
Coding change: c.87816T>A on transcript NM_001267550.2 (MANE Select); coding-DNA position 87816, T replaced by A.
Protein change: p.Tyr29272Ter; replaces tyrosine 29272 with a stop codon.
Molecular consequence: nonsense.
Genome position (GRCh38, 1-based): chr2:178,557,446, A>T on the plus strand (T>A on the coding strand, the complement: TTN is on the minus strand). VCF-style: chr2-178557446-A-T. GRCh37 (hg19) VCF-style: chr2-179422173-A-T.
Other names: c.82893T>A, p.Tyr27631Ter (NM_001256850.1); c.60621T>A, p.Tyr20207Ter (NM_003319.4); c.80112T>A, p.Tyr26704Ter (NM_133378.4); c.60996T>A, p.Tyr20332Ter (NM_133432.3); c.61197T>A, p.Tyr20399Ter (NM_133437.4); short protein forms Y20399*, Y29272*, Y20207*, Y26704*, Y27631*, Y20332*.
Identifiers: ClinVar variation 2948509 (VCV002948509.3), dbSNP rs2469528595, ClinGen allele CA349534100.